The following is an entry in ClinVar:

ClinVar aggregate classification (germline): Uncertain significance (3 of 4 stars; one submission).

Conditions:
Malignant hyperthermia, susceptibility to, 1 (MHS1). Also called: RYR1-Related Malignant Hyperthermia Susceptibility; Anesthesia related hyperthermia; Malignant hyperpyrexia; Fulminating hyperpyrexia; Pharmacogenic myopathy; Malignant hyperthermia suceptibility 1. Identifiers: Orphanet 423, MedGen C2930980, MONDO:0007783, OMIM 145600.

Allele frequency attached by ClinVar (database versions not stated): gnomAD exomes 0.00001.
gnomAD v4.1: 7 of 1,596,148 alleles (0.00044%); highest among the groups gnomAD compares: Non-Finnish European, 0.0006%; no homozygotes.

Submission:

ClinGen Malignant Hyperthermia Susceptibility Variant Curation Expert Panel, ClinGen
Classification: Uncertain significance for Malignant hyperthermia, susceptibility to, 1. Last evaluated: 2025-08-01. Review status: reviewed by expert panel. Criteria: ClinGen MHS ACMG Specifications V2. Collection method: curation. Allele origin: germline. Inheritance: Autosomal dominant inheritance.
Comment: This pathogenicity assessment is relevant only for malignant hyperthermia susceptibility (MHS) inherited in an autosomal dominant pattern. Variants in RYR1 can also cause other myopathies inherited in an autosomal dominant pattern or in an autosomal recessive pattern. Some of these disorders may predispose individuals to malignant hyperthermia. RYR1 variants may also contribute to a malignant hyperthermia reaction in combination with other genetic and non-genetic factors and the clinician needs to consider such factors in making management decisions. This sequence variant predicts a substitution of asparagine with aspartic acid at codon 3418 of the RYR1 protein, p.(Asn3418Asp). This variant was not present in a large population database (gnomAD) at the time this variant was interpreted. This variant has been reported in two unrelated individuals who have a personal or family history of a malignant hyperthermia reaction, both of these individuals had a positive in vitro contracture test (IVCT) or caffeine halothane contracture test (CHCT) result (if the proband was unavailable for testing, a positive diagnostic test result in a mutation-positive relative was counted), PS4_Moderate (PMID:30236257). No functional studies were identified for this variant. This variant does not reside in a hotspot for pathogenic variants that contribute to MHS. A REVEL score of 0.535 supports neither a pathogenic nor a benign status for this variant. This variant has been classified as a Variant of Unknown Significance. Criteria implemented: PS4_Moderate.

NM_000540.3(RYR1):c.10252A>G (p.Asn3418Asp)

Gene: RYR1 (ryanodine receptor 1; plus strand). Cytogenetic location: 19q13.2.
Variant type: single nucleotide variant.
Coding change: c.10252A>G on transcript NM_000540.3 (MANE Select); coding-DNA position 10252, A replaced by G.
Protein change: p.Asn3418Asp; replaces asparagine 3418 with aspartic acid.
Molecular consequence: missense variant.
Genome position (GRCh38, 1-based): chr19:38,519,447, A>G. VCF-style: chr19-38519447-A-G. GRCh37 (hg19) VCF-style: chr19-39010087-A-G.
Other names: c.10252A>G, p.Asn3418Asp (NM_001042723.2); short protein forms N3418D.
Identifiers: ClinVar variation 1210304 (VCV001210304.3), dbSNP rs2145689666, ClinGen allele CA405696830.